The following is an entry in ClinVar:

NM_000083.3(CLCN1):c.696G>T (p.Glu232Asp)

Gene: CLCN1 (chloride voltage-gated channel 1; plus strand). Cytogenetic location: 7q34.
Variant type: single nucleotide variant.
Coding change: c.696G>T on transcript NM_000083.3 (MANE Select); coding-DNA position 696, G replaced by T.
Protein change: p.Glu232Asp; replaces glutamic acid 232 with aspartic acid.
Molecular consequence: missense variant. On other transcripts: non-coding transcript variant (1).
Genome position (GRCh38, 1-based): chr7:143,321,848, G>T. VCF-style: chr7-143321848-G-T. GRCh37 (hg19) VCF-style: chr7-143018941-G-T.
Other names: c.696G>T (NM_000083.2); short protein forms E232D.
Identifiers: ClinVar variation 1468476 (VCV001468476.9), dbSNP rs923380712, ClinGen allele CA369686049.
Genomic context (GRCh38, chr7:143,321,848, plus strand): 5'-TGTGGCCAAGGTTGTCGCCCTGACTGCGGGCCTGGGCAGTGGCATCCCCGTGGGGAAAGA[G>T]GTAGGCCTGGCATGACTGAAGCCAGAGCTGGGAGGGGCCCTCAGGAGCCAGGGTGGCACC-3'
Protein context (NP_000074.3, residues 222-242): GLGSGIPVGK[Glu232Asp]GPFVHIASIC

ClinVar aggregate classification (germline): Uncertain significance. Review status: criteria provided, multiple submitters, no conflicts (2 of 4 stars). 2 submissions from 2 submitters: Uncertain significance (2). Last evaluated 2024-12-10.

Conditions:
Congenital myotonia, autosomal recessive form. Also called: Becker Generalized Myotonia; BECKER DISEASE; myotonia congenita, autosomal recessive. Identifiers: Orphanet 614, MedGen C0751360, MONDO:0009715, OMIM 255700.
Congenital myotonia, autosomal dominant form (THD). Also called: THOMSEN DISEASE; Myotonia congenita autosomal dominant. Identifiers: Orphanet 614, MedGen C2936781, MONDO:0008055, OMIM 160800.

Allele frequency attached by ClinVar (database versions not stated): gnomAD exomes below 0.00001.
gnomAD v4.1: 8 of 1,614,094 alleles (0.0005%); highest among the groups gnomAD compares: Non-Finnish European, 0.00068%; no homozygotes.

Submissions (2):

Labcorp Genetics (formerly Invitae), Labcorp
Classification: Uncertain significance for Congenital myotonia, autosomal recessive form; Congenital myotonia, autosomal dominant form. Last evaluated: 2024-12-10. Review status: criteria provided, single submitter. Criteria: Invitae Variant Classification Sherloc (09022015). Collection method: clinical testing. Allele origin: germline.
Comment: This sequence change replaces glutamic acid, which is acidic and polar, with aspartic acid, which is acidic and polar, at codon 232 of the CLCN1 protein (p.Glu232Asp). This variant also falls at the last nucleotide of exon 5, which is part of the consensus splice site for this exon. This variant is present in population databases (no rsID available, gnomAD 0.0009%). This variant has not been reported in the literature in individuals affected with CLCN1-related conditions. ClinVar contains an entry for this variant (Variation ID: 1468476). An algorithm developed to predict the effect of missense changes on protein structure and function (PolyPhen-2) suggests that this variant is likely to be disruptive. Variants that disrupt the consensus splice site are a relatively common cause of aberrant splicing (PMID: 17576681, 9536098). Algorithms developed to predict the effect of sequence changes on RNA splicing suggest that this variant may disrupt the consensus splice site. In summary, the available evidence is currently insufficient to determine the role of this variant in disease. Therefore, it has been classified as a Variant of Uncertain Significance.

GeneDx
Classification: Uncertain significance. Last evaluated: 2022-10-05. Review status: criteria provided, single submitter. Criteria: GeneDx Variant Classification Process June 2021. Collection method: clinical testing. Allele origin: germline. Affected: yes.
Comment: Not observed at significant frequency in large population cohorts (gnomAD); In silico analysis supports that this missense variant has a deleterious effect on protein structure/function; In silico analysis supports a deleterious effect on splicing; Has not been previously published as pathogenic or benign to our knowledge

Literature cited by the submitters: PubMed 17576681 (cited by Labcorp Genetics (formerly Invitae), Labcorp); PubMed 9536098 (cited by Labcorp Genetics (formerly Invitae), Labcorp).